The following is an entry in ClinVar:

NM_021072.4(HCN1):c.2111G>C (p.Cys704Ser)

Gene: HCN1 (hyperpolarization activated cyclic nucleotide gated potassium channel 1; minus strand). Cytogenetic location: 5p12.
Variant type: single nucleotide variant.
Coding change: c.2111G>C on transcript NM_021072.4 (MANE Select); coding-DNA position 2111, G replaced by C.
Protein change: p.Cys704Ser; replaces cysteine 704 with serine.
Molecular consequence: missense variant.
Genome position (GRCh38, 1-based): chr5:45,262,483, C>G on the plus strand (G>C on the coding strand, the complement: HCN1 is on the minus strand). VCF-style: chr5-45262483-C-G. GRCh37 (hg19) VCF-style: chr5-45262585-C-G.
Other names: short protein forms C704S.
Identifiers: ClinVar variation 4881023 (VCV004881023.2).

ClinVar aggregate classification (germline): Uncertain significance (1 of 4 stars; one submission).

Submission:

Dasa
Classification: Uncertain significance. Last evaluated: 2025-08-23. Review status: criteria provided, single submitter. Criteria: DASA Assertion Criteria. Collection method: clinical testing. Allele origin: germline.
Comment: NM_021072.4(HCN1):c.2111G>C (p.Cys704Ser) is a missense variant that results in the substitution of cysteine with serine. This variant is absent from population databases. The currently available literature and clinical evidence are not sufficient to establish a definitive association between this variant and the reported condition. Therefore, this variant is classified as a variant of uncertain significance.